The following is an entry in ClinVar:

ClinVar aggregate classification (germline): Likely benign. Review status: criteria provided, multiple submitters, no conflicts (2 of 4 stars). 2 submissions from 2 submitters: Likely benign (2). Last evaluated 2026-08-12.

Conditions:
LAMA1-related disorder. Also called: LAMA1-related condition; LAMA1-related disorders.

gnomAD v4.1: 14 of 1,613,768 alleles (0.00087%); highest among the groups gnomAD compares: Admixed American, 0.0033%; no homozygotes.

Submissions (2):

PreventionGenetics, part of Exact Sciences
Classification: Likely benign for LAMA1-related condition. Last evaluated: 2026-08-12. Review status: criteria provided, single submitter. Criteria: ACMG Guidelines, 2015. Collection method: clinical testing. Allele origin: germline.
Comment: This variant is classified as likely benign based on ACMG/AMP sequence variant interpretation guidelines (Richards et al. 2015 PMID: 25741868, with internal and published modifications).

Labcorp Genetics (formerly Invitae), Labcorp
Classification: Likely benign. Last evaluated: 2022-04-14. Review status: criteria provided, single submitter. Criteria: Invitae Variant Classification Sherloc (09022015). Collection method: clinical testing. Allele origin: germline.

NM_005559.4(LAMA1):c.1818G>T (p.Ser606=)

Gene: LAMA1 (laminin subunit alpha 1; minus strand). Cytogenetic location: 18p11.31.
Variant type: single nucleotide variant.
Coding change: c.1818G>T on transcript NM_005559.4 (MANE Select); coding-DNA position 1818, G replaced by T.
Protein change: p.Ser606=; no amino-acid change (serine 606 retained).
Molecular consequence: synonymous variant.
Genome position (GRCh38, 1-based): chr18:7,036,008, C>A on the plus strand (G>T on the coding strand, the complement: LAMA1 is on the minus strand). VCF-style: chr18-7036008-C-A. GRCh37 (hg19) VCF-style: chr18-7036007-C-A.
Other names: c.1818G>T (NM_005559.3).
Identifiers: ClinVar variation 1983803 (VCV001983803.5), dbSNP rs552854758, ClinGen allele CA8882857.